The following is an entry in ClinVar:

NM_000141.5(FGFR2):c.1084+20T>C

Gene: FGFR2 (fibroblast growth factor receptor 2; minus strand). Cytogenetic location: 10q26.13.
Variant type: single nucleotide variant.
Coding change: c.1084+20T>C on transcript NM_000141.5 (MANE Select); 20 bases into the intron after coding-DNA position 1084, T replaced by C.
Molecular consequence: intron variant.
Genome position (GRCh38, 1-based): chr10:121,517,299, A>G on the plus strand (T>C on the coding strand, the complement: FGFR2 is on the minus strand). VCF-style: chr10-121517299-A-G. GRCh37 (hg19) VCF-style: chr10-123276813-A-G.
Other names: c.749-1980T>C (NM_001144914.1); c.739+20T>C (NM_001144918.2, NM_001441091.1, NM_001441090.1 and 1 more transcripts); c.817+20T>C (NM_001441089.1, NM_023029.3, NM_001144915.2); c.820+1383T>C (NM_001441088.1, NM_001144919.2); c.939+2680T>C (NM_001144917.2); c.1084+20T>C (NM_001320658.2); c.1087+1383T>C (NM_001441087.1, NM_022970.4, NM_001144913.1); c.400+20T>C (NM_001320654.2).
Identifiers: ClinVar variation 511076 (VCV000511076.6), dbSNP rs1554928776, ClinGen allele CA658797544.

ClinVar aggregate classification (germline): Likely benign. Review status: criteria provided, multiple submitters, no conflicts (2 of 4 stars). 2 submissions from 2 submitters: Likely benign (2). Last evaluated 2024-04-29.

Conditions:
FGFR2-related craniosynostosis. Identifiers: MedGen CN231480.

Allele frequency attached by ClinVar (database versions not stated): TOPMed 0.00001.

Submissions (2):

Labcorp Genetics (formerly Invitae), Labcorp
Classification: Likely benign for FGFR2-related craniosynostosis. Last evaluated: 2024-04-29. Review status: criteria provided, single submitter. Criteria: Invitae Variant Classification Sherloc (09022015). Collection method: clinical testing. Allele origin: germline.

GeneDx
Classification: Likely benign. Last evaluated: 2017-07-25. Review status: criteria provided, single submitter. Criteria: GeneDx Variant Classification (06012015). Collection method: clinical testing. Allele origin: germline. Affected: yes.
Comment: This variant is considered likely benign or benign based on one or more of the following criteria: it is a conservative change, it occurs at a poorly conserved position in the protein, it is predicted to be benign by multiple in silico algorithms, and/or has population frequency not consistent with disease.